The following is an entry in ClinVar:

ClinVar aggregate classification (germline): Uncertain significance (1 of 4 stars; one submission).

Submission:

Labcorp Genetics (formerly Invitae), Labcorp
Classification: Uncertain significance. Last evaluated: 2021-08-13. Review status: criteria provided, single submitter. Criteria: Invitae Variant Classification Sherloc (09022015). Collection method: clinical testing. Allele origin: germline.
Comment: In summary, the available evidence is currently insufficient to determine the role of this variant in disease. Therefore, it has been classified as a Variant of Uncertain Significance. Variants that disrupt the consensus splice site are a relatively common cause of aberrant splicing (PMID: 17576681, 9536098). Algorithms developed to predict the effect of sequence changes on RNA splicing suggest that this variant is not likely to affect RNA splicing. This variant has not been reported in the literature in individuals affected with MSH3-related conditions. This variant is not present in population databases (ExAC no frequency). This sequence change falls in intron 4 of the MSH3 gene. It does not directly change the encoded amino acid sequence of the MSH3 protein. It affects a nucleotide within the consensus splice site of the intron.

Literature cited by the submitters: PubMed 17576681; PubMed 9536098.

NM_002439.5(MSH3):c.793-3T>C

Gene: MSH3 (mutS homolog 3; plus strand). Cytogenetic location: 5q14.1.
Variant type: single nucleotide variant.
Coding change: c.793-3T>C on transcript NM_002439.5 (MANE Select); 3 bases into the intron before coding-DNA position 793, T replaced by C.
Molecular consequence: intron variant.
Genome position (GRCh38, 1-based): chr5:80,672,241, T>C. VCF-style: chr5-80672241-T-C. GRCh37 (hg19) VCF-style: chr5-79968060-T-C.
Identifiers: ClinVar variation 1374807 (VCV001374807.6), dbSNP rs2112813695, ClinGen allele CA2573139876.